The following is an entry in ClinVar:

ClinVar aggregate classification (germline): Likely benign (0 of 4 stars; one submission).

Conditions:
KRT10-related disorder. Also called: KRT10-related condition.

Allele frequency attached by ClinVar (database versions not stated): gnomAD exomes 0.00058; ExAC 0.00153; gnomAD 0.00256.

Submission:

PreventionGenetics, part of Exact Sciences
Classification: Likely benign for KRT10-related condition. Last evaluated: 2024-02-01. Review status: no assertion criteria provided. Collection method: clinical testing. Allele origin: germline.
Comment: This variant is classified as likely benign based on ACMG/AMP sequence variant interpretation guidelines (Richards et al. 2015 PMID: 25741868, with internal and published modifications).

NM_000421.5(KRT10):c.1448_1459del (p.Ser483_His487delinsTyr)

Gene: KRT10 (keratin 10; minus strand). Cytogenetic location: 17q21.2.
Variant type: Deletion.
Coding change: c.1448_1459del on transcript NM_000421.5 (MANE Select); coding-DNA positions 1448 to 1459, 12 bases deleted (CCGGCGGCGGCC).
Protein change: p.Ser483_His487delinsTyr.
Molecular consequence: inframe indel.
Genome position (GRCh38, 1-based): chr17:40,819,076-40,819,087, GGCCGCCGCCGG deleted on the plus strand (CCGGCGGCGGCC on the coding strand, the reverse complement: KRT10 is on the minus strand). VCF-style (leftmost placement, unchanged base first): chr17-40819075-TGGCCGCCGCCGG-T. GRCh37 (hg19) VCF-style: chr17-38975327-TGGCCGCCGCCGG-T.
Other names: c.1448_1459del, p.Ser483_His487delinsTyr (NM_001379366.1).
Identifiers: ClinVar variation 3049296 (VCV003049296.2), dbSNP rs761400509, ClinGen allele CA8548025.